The following is an entry in ClinVar:

ClinVar aggregate classification (germline): Pathogenic. Review status: criteria provided, single submitter (1 of 4 stars). 2 submissions from 2 submitters: Pathogenic (1). 1 of the submissions does not count toward it. Last evaluated 2023-06-29.

Conditions:
Baraitser-Winter syndrome 1 (BRWS1). Also called: BARAITSER-WINTER SYNDROME 1, ATYPICAL; PACHYGYRIA, MENTAL RETARDATION, EPILEPSY, AND CHARACTERISTIC FACIES; MENTAL RETARDATION WITH EPILEPSY AND CHARACTERISTIC FACIES; Cerebrofrontofacial syndrome. Identifiers: Orphanet 2649, Orphanet 2995, MedGen C1855722, MONDO:0009470, OMIM 243310.

Submissions (2):

GeneDx
Classification: Pathogenic. Last evaluated: 2023-06-29. Review status: criteria provided, single submitter. Criteria: GeneDx Variant Classification Process June 2021. Collection method: clinical testing. Allele origin: germline. Affected: yes.
Comment: Identified in a patient with BaraitserWinter cerebrofrontofacial syndrome in published literature, however segregation information was not provided (Verloes et al., 2015); Missense variants in this gene are often considered pathogenic (HGMD); In silico analysis supports that this missense variant has a deleterious effect on protein structure/function; Not observed at significant frequency in large population cohorts (gnomAD); This variant is associated with the following publications: (PMID: 25052316, 29372643)

Department of Genetics, Robert DEBRE University Hospital
Classification: Pathogenic for Iris coloboma with ptosis, hypertelorism, and mental retardation. Last evaluated: 2014-04-15. Review status: no assertion criteria provided. Collection method: clinical testing. Allele origin: germline. Affected: yes. Observed: 1 variant allele. Not counted in ClinVar's aggregate classification.

Literature cited by the submitters: PubMed 25052316 (cited by Department of Genetics, Robert DEBRE University Hospital).

NM_001101.5(ACTB):c.356T>C (p.Met119Thr)

Gene: ACTB (actin beta; minus strand). Cytogenetic location: 7p22.1.
Variant type: single nucleotide variant.
Coding change: c.356T>C on transcript NM_001101.5 (MANE Select); coding-DNA position 356, T replaced by C.
Protein change: p.Met119Thr; replaces methionine 119 with threonine.
Molecular consequence: missense variant.
Genome position (GRCh38, 1-based): chr7:5,529,168, A>G on the plus strand (T>C on the coding strand, the complement: ACTB is on the minus strand). VCF-style: chr7-5529168-A-G. GRCh37 (hg19) VCF-style: chr7-5568799-A-G.
Other names: c.356T>C (LRG_132t1); short protein forms M119T.
Identifiers: ClinVar variation 127167 (VCV000127167.2), dbSNP rs587779773, ClinGen allele CA213216.